The following is an entry in ClinVar:

NM_001267550.2(TTN):c.3380+4T>G

Gene: TTN (titin; minus strand). Cytogenetic location: 2q31.2.
Variant type: single nucleotide variant.
Coding change: c.3380+4T>G on transcript NM_001267550.2 (MANE Select); 4 bases into the intron after coding-DNA position 3380, T replaced by G.
Molecular consequence: intron variant.
Genome position (GRCh38, 1-based): chr2:178,782,208, A>C on the plus strand (T>G on the coding strand, the complement: TTN is on the minus strand). VCF-style: chr2-178782208-A-C. GRCh37 (hg19) VCF-style: chr2-179646935-A-C.
Other names: c.3242+4T>G (NM_003319.4, NM_133437.4, NM_133432.3); c.3380+4T>G (NM_133378.4, NM_001256850.1, NM_133379.5).
Identifiers: ClinVar variation 1729310 (VCV001729310.2), dbSNP rs186018294, ClinGen allele CA2580065191.

ClinVar aggregate classification (germline): Uncertain significance (1 of 4 stars; one submission).

Conditions:
Cardiovascular phenotype. Identifiers: MedGen CN230736.

gnomAD v4.1: 1 of 1,614,104 alleles (0.000062%); highest among the groups gnomAD compares: Non-Finnish European, 0.000085%; no homozygotes.

Submission:

Ambry Genetics
Classification: Uncertain significance for Cardiovascular phenotype. Last evaluated: 2021-10-25. Review status: criteria provided, single submitter. Criteria: Ambry Variant Classification Scheme 2023. Collection method: clinical testing. Allele origin: germline.
Comment: The c.3242+4T>G intronic variant results from a T to G substitution 4 nucleotides after coding exon 18 in the TTN gene. This nucleotide position is not well conserved in available vertebrate species. In silico splice site analysis predicts that this alteration will not have any significant effect on splicing. Since supporting evidence is limited at this time, the clinical significance of this alteration remains unclear.